The following is an entry in ClinVar:

NM_033124.5(DRC2):c.73T>A (p.Leu25Met)

Gene: DRC2 (dynein regulatory complex subunit 2; plus strand). Cytogenetic location: 12q13.12.
Variant type: single nucleotide variant.
Coding change: c.73T>A on transcript NM_033124.5 (MANE Select); coding-DNA position 73, T replaced by A.
Protein change: p.Leu25Met; replaces leucine 25 with methionine.
Molecular consequence: missense variant. On other transcripts: 5 prime UTR variant (1).
Genome position (GRCh38, 1-based): chr12:48,904,409, T>A. VCF-style: chr12-48904409-T-A. GRCh37 (hg19) VCF-style: chr12-49298192-T-A.
Other names: c.-317T>A (NM_001286957.2); short protein forms L25M.
Identifiers: ClinVar variation 474643 (VCV000474643.9), dbSNP rs371110225, ClinGen allele CA6543130.

ClinVar aggregate classification (germline): Uncertain significance (1 of 4 stars; one submission).

Conditions:
Primary ciliary dyskinesia 27. Also called: CILIARY DYSKINESIA, PRIMARY, 27, WITHOUT SITUS INVERSUS. Identifiers: Orphanet 244, MedGen C3809701, MONDO:0014215, OMIM 615504.

Allele frequency attached by ClinVar (database versions not stated): gnomAD 0.00001; gnomAD exomes 0.00001 and 0.00004; TOPMed 0.00001; ExAC 0.00002; ESP Exome Variant Server 0.00008.
gnomAD v4.1: 54 of 1,613,766 alleles (0.0033%); highest among the groups gnomAD compares: Middle Eastern, 0.35%; no homozygotes.

Submission:

Labcorp Genetics (formerly Invitae), Labcorp
Classification: Uncertain significance for Primary ciliary dyskinesia 27. Last evaluated: 2023-06-03. Review status: criteria provided, single submitter. Criteria: Invitae Variant Classification Sherloc (09022015). Collection method: clinical testing. Allele origin: germline.
Comment: Algorithms developed to predict the effect of missense changes on protein structure and function output the following: SIFT: "Not Available"; PolyPhen-2: "Benign"; Align-GVGD: "Not Available". The methionine amino acid residue is found in multiple mammalian species, which suggests that this missense change does not adversely affect protein function. In summary, the available evidence is currently insufficient to determine the role of this variant in disease. Therefore, it has been classified as a Variant of Uncertain Significance. ClinVar contains an entry for this variant (Variation ID: 474643). This variant has not been reported in the literature in individuals affected with CCDC65-related conditions. This variant is present in population databases (rs371110225, gnomAD 0.004%). This sequence change replaces leucine, which is neutral and non-polar, with methionine, which is neutral and non-polar, at codon 25 of the CCDC65 protein (p.Leu25Met).